The following is an entry in ClinVar:

ClinVar aggregate classification (germline): Uncertain significance. Review status: criteria provided, multiple submitters, no conflicts (2 of 4 stars). 2 submissions from 2 submitters: Uncertain significance (2). Last evaluated 2023-06-12.

Allele frequency attached by ClinVar (database versions not stated): gnomAD 0.00002; ExAC 0.00003; TOPMed 0.00003; 1000 Genomes Project 30x 0.00016; 1000 Genomes Project 0.00020.
gnomAD v4.1: 22 of 1,614,174 alleles (0.0014%); highest among the groups gnomAD compares: East Asian, 0.0045%; no homozygotes.

Submissions (2):

Ambry Genetics
Classification: Uncertain significance. Last evaluated: 2023-06-12. Review status: criteria provided, single submitter. Criteria: Ambry Variant Classification Scheme 2023. Collection method: clinical testing. Allele origin: germline.

Labcorp Genetics (formerly Invitae), Labcorp
Classification: Uncertain significance. Last evaluated: 2022-07-26. Review status: criteria provided, single submitter. Criteria: Invitae Variant Classification Sherloc (09022015). Collection method: clinical testing. Allele origin: germline.
Comment: This sequence change replaces alanine, which is neutral and non-polar, with valine, which is neutral and non-polar, at codon 288 of the LOXL3 protein (p.Ala288Val). In summary, the available evidence is currently insufficient to determine the role of this variant in disease. Therefore, it has been classified as a Variant of Uncertain Significance. Algorithms developed to predict the effect of missense changes on protein structure and function output the following: SIFT: "Tolerated"; PolyPhen-2: "Benign"; Align-GVGD: "Class C0". The valine amino acid residue is found in multiple mammalian species, which suggests that this missense change does not adversely affect protein function. This variant has not been reported in the literature in individuals affected with LOXL3-related conditions. This variant is present in population databases (rs186579568, gnomAD 0.01%).

NM_032603.5(LOXL3):c.863C>T (p.Ala288Val)

Gene: LOXL3 (lysyl oxidase like 3; minus strand). Cytogenetic location: 2p13.1.
Variant type: single nucleotide variant.
Coding change: c.863C>T on transcript NM_032603.5 (MANE Select); coding-DNA position 863, C replaced by T.
Protein change: p.Ala288Val; replaces alanine 288 with valine.
Molecular consequence: missense variant. On other transcripts: intron variant (2).
Genome position (GRCh38, 1-based): chr2:74,536,758, G>A on the plus strand (C>T on the coding strand, the complement: LOXL3 is on the minus strand). VCF-style: chr2-74536758-G-A. GRCh37 (hg19) VCF-style: chr2-74763885-G-A.
Other names: c.478-287C>T (NM_001289164.3); c.-171-287C>T (NM_001289165.2); c.863C>T (NM_032603.2); short protein forms A288V.
Identifiers: ClinVar variation 2199939 (VCV002199939.5), dbSNP rs186579568, ClinGen allele CA1729063.